The following is an entry in ClinVar:

NM_001101362.3(KBTBD13):c.293A>G (p.Glu98Gly)

Gene: KBTBD13 (kelch repeat and BTB domain containing 13; plus strand). Cytogenetic location: 15q22.31.
Variant type: single nucleotide variant.
Coding change: c.293A>G on transcript NM_001101362.3 (MANE Select); coding-DNA position 293, A replaced by G.
Protein change: p.Glu98Gly; replaces glutamic acid 98 with glycine.
Molecular consequence: missense variant.
Genome position (GRCh38, 1-based): chr15:65,077,108, A>G. VCF-style: chr15-65077108-A-G. GRCh37 (hg19) VCF-style: chr15-65369446-A-G.
Other names: short protein forms E98G.
Identifiers: ClinVar variation 2582936 (VCV002582936.26), dbSNP rs930704522, ClinGen allele CA271503330.

ClinVar aggregate classification (germline): Uncertain significance. Review status: criteria provided, multiple submitters, no conflicts (2 of 4 stars). 2 submissions from 2 submitters: Uncertain significance (2). Last evaluated 2025-07-23.

Conditions:
Nemaline myopathy 6 (NEM6). Also called: Nemaline myopathy 6, autosomal dominant. Identifiers: Orphanet 171439, MedGen C1836472, MONDO:0012237, OMIM 609273.

Allele frequency attached by ClinVar (database versions not stated): gnomAD 0.00001.
gnomAD v4.1: 5 of 1,523,312 alleles (0.00033%); highest among the groups gnomAD compares: African/African-American, 0.0028%; no homozygotes.

Submissions (2):

Labcorp Genetics (formerly Invitae), Labcorp
Classification: Uncertain significance for Nemaline myopathy 6. Last evaluated: 2025-07-23. Review status: criteria provided, single submitter. Criteria: Invitae Variant Classification Sherloc (09022015). Collection method: clinical testing. Allele origin: germline.
Comment: This sequence change replaces glutamic acid, which is acidic and polar, with glycine, which is neutral and non-polar, at codon 98 of the KBTBD13 protein (p.Glu98Gly). This variant is not present in population databases (gnomAD no frequency). This variant has not been reported in the literature in individuals affected with KBTBD13-related conditions. ClinVar contains an entry for this variant (Variation ID: 2582936). Invitae Evidence Modeling of protein sequence and biophysical properties (such as structural, functional, and spatial information, amino acid conservation, physicochemical variation, residue mobility, and thermodynamic stability) indicates that this missense variant is not expected to disrupt KBTBD13 protein function with a negative predictive value of 80%. In summary, the available evidence is currently insufficient to determine the role of this variant in disease. Therefore, it has been classified as a Variant of Uncertain Significance.

CeGaT Center for Human Genetics Tuebingen
Classification: Uncertain significance. Last evaluated: 2023-09-01. Review status: criteria provided, single submitter. Criteria: CeGaT Center For Human Genetics Tuebingen Variant Classification Criteria Version 2. Collection method: clinical testing. Allele origin: germline. Affected: yes. Observed: 1 variant allele.